The following is an entry in ClinVar:

ClinVar aggregate classification (germline): Likely benign. Review status: criteria provided, multiple submitters, no conflicts (2 of 4 stars). 3 submissions from 3 submitters: Likely benign (3). Last evaluated 2025-10-26.

Conditions:
Autosomal recessive limb-girdle muscular dystrophy type 2J (LGMDR10). Also called: Limb-girdle muscular dystrophy, type 2J; MUSCULAR DYSTROPHY, LIMB-GIRDLE, AUTOSOMAL RECESSIVE 10. Identifiers: Orphanet 140922, MedGen C1837342, MONDO:0012127, OMIM 608807.
Dilated cardiomyopathy 1G (CMD1G). Identifiers: Orphanet 154, MedGen C1858763, MONDO:0011400, OMIM 604145.
Cardiovascular phenotype. Identifiers: MedGen CN230736.

Allele frequency attached by ClinVar (database versions not stated): gnomAD exomes 0.00002 and 0.00005; ExAC 0.00003; TOPMed 0.00003; gnomAD 0.00004 and 0.00005; ESP Exome Variant Server 0.00008.
gnomAD v4.1: 84 of 1,613,752 alleles (0.0052%); highest among the groups gnomAD compares: Non-Finnish European, 0.007%; no homozygotes.

Submissions (3):

Labcorp Genetics (formerly Invitae), Labcorp
Classification: Likely benign for Dilated cardiomyopathy 1G; Autosomal recessive limb-girdle muscular dystrophy type 2J. Last evaluated: 2025-10-26. Review status: criteria provided, single submitter. Criteria: Invitae Variant Classification Sherloc (09022015). Collection method: clinical testing. Allele origin: germline.

Athena Diagnostics
Classification: Likely benign. Last evaluated: 2025-09-17. Review status: criteria provided, single submitter. Criteria: Athena Diagnostics Criteria. Collection method: clinical testing. Allele origin: unknown.
Comment: Computational tools yielded predictions that this variant is unlikely to have an effect on normal RNA splicing. This nucleotide position exhibits low evolutionary conservation.

Ambry Genetics
Classification: Likely benign for Cardiovascular phenotype. Last evaluated: 2020-02-20. Review status: criteria provided, single submitter. Criteria: Ambry Variant Classification Scheme 2023. Collection method: clinical testing. Allele origin: germline.

NM_001267550.2(TTN):c.12369C>T (p.Leu4123=)

Gene: TTN (titin; minus strand). Cytogenetic location: 2q31.2.
Variant type: single nucleotide variant.
Coding change: c.12369C>T on transcript NM_001267550.2 (MANE Select); coding-DNA position 12369, C replaced by T.
Protein change: p.Leu4123=; no amino-acid change (leucine 4123 retained).
Molecular consequence: synonymous variant. On other transcripts: intron variant (1).
Genome position (GRCh38, 1-based): chr2:178,740,864, G>A on the plus strand (C>T on the coding strand, the complement: TTN is on the minus strand). VCF-style: chr2-178740864-G-A. GRCh37 (hg19) VCF-style: chr2-179605591-G-A.
Other names: c.11418C>T, p.Leu3806= (NM_001256850.1); c.11280C>T, p.Leu3760= (NM_003319.4); c.11655C>T, p.Leu3885= (NM_133432.3); c.11856C>T, p.Leu3952= (NM_133437.4); c.10361-2504C>T (NM_133378.4); c.12369C>T (NM_001267550.1).
Identifiers: ClinVar variation 466798 (VCV000466798.15), dbSNP rs372053333, ClinGen allele CA2002727.